The following is an entry in ClinVar:

NM_004415.4(DSP):c.3230C>T (p.Ala1077Val)

Gene: DSP (desmoplakin; plus strand). Cytogenetic location: 6p24.3.
Variant type: single nucleotide variant.
Coding change: c.3230C>T on transcript NM_004415.4 (MANE Select); coding-DNA position 3230, C replaced by T.
Protein change: p.Ala1077Val; replaces alanine 1077 with valine.
Molecular consequence: missense variant.
Genome position (GRCh38, 1-based): chr6:7,579,420, C>T. VCF-style: chr6-7579420-C-T. GRCh37 (hg19) VCF-style: chr6-7579653-C-T.
Other names: c.3230C>T, p.Ala1077Val (NM_001008844.3, NM_001319034.2); short protein forms A1077V.
Identifiers: ClinVar variation 958288 (VCV000958288.9), dbSNP rs1257696096, ClinGen allele CA362683350.

ClinVar aggregate classification (germline): Conflicting classifications of pathogenicity. Review status: criteria provided, conflicting classifications (1 of 4 stars). 2 submissions from 2 submitters: Uncertain significance (1); Likely benign (1). Last evaluated 2025-11-11.

Conditions:
Cardiomyopathy (CMYO). Also called: Cardiomyopathies. Identifiers: Orphanet 167848, MedGen C0878544, MONDO:0004994, HP:0001638. Inheritance: Various modes of inheritance.
Arrhythmogenic right ventricular dysplasia 8 (ARVD8). Also called: ARRHYTHMOGENIC RIGHT VENTRICULAR DYSPLASIA, FAMILIAL, 8; ARRHYTHMOGENIC RIGHT VENTRICULAR CARDIOMYOPATHY 8; Arrhythmogenic Right Ventricular Dysplasia/Cardiomyopathy 8. Identifiers: MedGen C1843896, MONDO:0011831, OMIM 607450.
Arrhythmogenic cardiomyopathy with wooly hair and keratoderma. Also called: Dilated cardiomyopathy with woolly hair and keratoderma; PALMOPLANTAR KERATODERMA WITH LEFT VENTRICULAR CARDIOMYOPATHY AND WOOLLY HAIR; Carvajal syndrome; Arrhythmogenic cardiomyopathy with woolly hair and keratoderma. Identifiers: Orphanet 65282, MedGen C1854063, MONDO:0011581, OMIM 605676.

gnomAD v4.1: 15 of 1,614,112 alleles (0.00093%); highest among the groups gnomAD compares: Non-Finnish European, 0.0012%; no homozygotes.

Submissions (2):

Color Diagnostics, LLC DBA Color Health
Classification: Likely benign for Cardiomyopathy. Last evaluated: 2025-11-11. Review status: criteria provided, single submitter. Criteria: ACMG Guidelines, 2015. Collection method: clinical testing. Allele origin: germline.

Labcorp Genetics (formerly Invitae), Labcorp
Classification: Uncertain significance for Arrhythmogenic cardiomyopathy with wooly hair and keratoderma; Arrhythmogenic right ventricular dysplasia 8. Last evaluated: 2025-02-15. Review status: criteria provided, single submitter. Criteria: Invitae Variant Classification Sherloc (09022015). Collection method: clinical testing. Allele origin: germline.
Comment: This sequence change replaces alanine, which is neutral and non-polar, with valine, which is neutral and non-polar, at codon 1077 of the DSP protein (p.Ala1077Val). This variant is not present in population databases (gnomAD no frequency). This variant has not been reported in the literature in individuals affected with DSP-related conditions. ClinVar contains an entry for this variant (Variation ID: 958288). An algorithm developed to predict the effect of missense changes on protein structure and function outputs the following: PolyPhen-2: "Benign". The valine amino acid residue is found in multiple mammalian species, which suggests that this missense change does not adversely affect protein function. In summary, the available evidence is currently insufficient to determine the role of this variant in disease. Therefore, it has been classified as a Variant of Uncertain Significance.